The following is an entry in ClinVar:

NM_015135.3(NUP205):c.4245A>G (p.Gln1415=)

Gene: NUP205 (nucleoporin 205; plus strand). Cytogenetic location: 7q33.
Variant type: single nucleotide variant.
Coding change: c.4245A>G on transcript NM_015135.3 (MANE Select); coding-DNA position 4245, A replaced by G.
Protein change: p.Gln1415=; no amino-acid change (glutamine 1415 retained).
Molecular consequence: synonymous variant.
Genome position (GRCh38, 1-based): chr7:135,619,803, A>G. VCF-style: chr7-135619803-A-G. GRCh37 (hg19) VCF-style: chr7-135304551-A-G.
Other names: c.3171A>G, p.Gln1057= (NM_001329434.2).
Identifiers: ClinVar variation 770566 (VCV000770566.32), dbSNP rs138384984, ClinGen allele CA4498835.
Genomic context (GRCh38, chr7:135,619,803, plus strand): 5'-TTTAATTGAGAAAAGATTTTCATTTGACATCTTCCTAATCTCCCTAGGTGGTGGATTCCA[A>G]CGAGTGAGGACTCACTTGTATGGCTCTCTGCTTTATTACTTACAGATTGCCCAGAGACCT-3'
Protein context (NP_055950.2, residues 1405-1425): DFILKTGGGF[Gln1415=]RVRTHLYGSL

ClinVar aggregate classification (germline): Benign/Likely benign. Review status: criteria provided, multiple submitters, no conflicts (2 of 4 stars). 3 submissions from 3 submitters: Benign (1); Likely benign (2). Last evaluated 2026-01-31.

Allele frequency attached by ClinVar (database versions not stated): gnomAD exomes 0.00054; ExAC 0.00059; gnomAD 0.00138 and 0.00145; TOPMed 0.00147; ESP Exome Variant Server 0.00154; 1000 Genomes Project 30x 0.00156; 1000 Genomes Project 0.00180.
gnomAD v4.1: 472 of 1,612,232 alleles (0.029%); highest among the groups gnomAD compares: African/African-American, 0.44%; 1 homozygote.

Submissions (3):

Labcorp Genetics (formerly Invitae), Labcorp
Classification: Benign. Last evaluated: 2026-01-31. Review status: criteria provided, single submitter. Criteria: Invitae Variant Classification Sherloc (09022015). Collection method: clinical testing. Allele origin: germline.

Blueprint Genetics
Classification: Likely benign. Last evaluated: 2024-04-19. Review status: criteria provided, single submitter. Criteria: ACMG Guidelines, 2015. Collection method: clinical testing. Allele origin: germline.

CeGaT Center for Human Genetics Tuebingen
Classification: Likely benign. Last evaluated: 2022-07-01. Review status: criteria provided, single submitter. Criteria: CeGaT Center For Human Genetics Tuebingen Variant Classification Criteria Version 2. Collection method: clinical testing. Allele origin: germline. Affected: yes. Observed: 1 variant allele.
Comment: NUP205: BP4, BP7